The following is an entry in ClinVar:

NM_000289.6(PFKM):c.2287G>A (p.Asp763Asn)

Gene: PFKM (phosphofructokinase, muscle; plus strand). Cytogenetic location: 12q13.11.
Variant type: single nucleotide variant.
Coding change: c.2287G>A on transcript NM_000289.6 (MANE Select); coding-DNA position 2287, G replaced by A.
Protein change: p.Asp763Asn; replaces aspartic acid 763 with asparagine.
Molecular consequence: missense variant. On other transcripts: non-coding transcript variant (6).
Genome position (GRCh38, 1-based): chr12:48,145,652, G>A. VCF-style: chr12-48145652-G-A. GRCh37 (hg19) VCF-style: chr12-48539435-G-A.
Other names: c.2500G>A, p.Asp834Asn (NM_001166686.2, NM_001354737.1, NM_001354738.1 and 1 more transcripts); c.2287G>A, p.Asp763Asn (NM_001166687.2, NM_001166688.2, NM_001354742.2 and 2 more transcripts); c.2596G>A, p.Asp866Asn (NM_001354735.1, NM_001354736.1); c.2431G>A, p.Asp811Asn (NM_001354740.1); c.2311G>A, p.Asp771Asn (NM_001354741.2); c.2200G>A, p.Asp734Asn (NM_001354745.2); c.2161G>A, p.Asp721Asn (NM_001354746.2); c.2137G>A, p.Asp713Asn (NM_001354747.2, NM_001354748.2); and 1 more; short protein forms D732N, D763N, D771N, D713N, D811N, D721N, D834N, D866N.
Identifiers: ClinVar variation 2165256 (VCV002165256.2), dbSNP rs2498699314, ClinGen allele CA384556446.

ClinVar aggregate classification (germline): Uncertain significance (1 of 4 stars; one submission).

Conditions:
Glycogen storage disease, type VII (GSD7). Also called: MUSCLE PHOSPHOFRUCTOKINASE DEFICIENCY; PFKM DEFICIENCY; TARUI DISEASE; GSD VII. Identifiers: Orphanet 371, MedGen C0017926, MONDO:0009295, OMIM 232800.

Submission:

Labcorp Genetics (formerly Invitae), Labcorp
Classification: Uncertain significance for Glycogen storage disease, type VII. Last evaluated: 2022-03-27. Review status: criteria provided, single submitter. Criteria: Invitae Variant Classification Sherloc (09022015). Collection method: clinical testing. Allele origin: germline.
Comment: In summary, the available evidence is currently insufficient to determine the role of this variant in disease. Therefore, it has been classified as a Variant of Uncertain Significance. Algorithms developed to predict the effect of missense changes on protein structure and function are either unavailable or do not agree on the potential impact of this missense change (SIFT: "Deleterious"; PolyPhen-2: "Benign"; Align-GVGD: "Class C0"). This variant has not been reported in the literature in individuals affected with PFKM-related conditions. This variant is not present in population databases (gnomAD no frequency). This sequence change replaces aspartic acid, which is acidic and polar, with asparagine, which is neutral and polar, at codon 763 of the PFKM protein (p.Asp763Asn).